The following is an entry in ClinVar:

ClinVar aggregate classification (germline): Pathogenic (1 of 4 stars; one submission).

Conditions:
Hyperinsulinemic hypoglycemia, familial, 1 (HHF1). Also called: HYPERINSULINISM, FAMILIAL, WITH PANCREATIC NESIDIOBLASTOSIS; HYPOGLYCEMIA, HYPERINSULINEMIC, OF INFANCY; NESIDIOBLASTOSIS OF PANCREAS; Persistent Hyperinsulinemia Hypoglycemia of Infancy; Persistent hyperinsulinemic hypoglycemia of infancy. Identifiers: Orphanet 276575, Orphanet 276598, MedGen C2931832, MONDO:0009734, OMIM 256450.

Submission:

Myriad Genetics, Inc.
Classification: Pathogenic for Hyperinsulinemic hypoglycemia, familial, 1. Last evaluated: 2023-09-27. Review status: criteria provided, single submitter. Criteria: Myriad Autosomal Dominant, Autosomal Recessive and X-Linked Classification Criteria (2023). Collection method: clinical testing. Allele origin: unknown.
Comment: NM_000352.3(ABCC8):c.3111dupC(D1038Rfs*76) is expected to be pathogenic in the context of familial hyperinsulinism, ABCC8-related. This variant is predicted to lead to an abnormal or absent protein product due to the creation of a premature termination codon in ABCC8, a gene where loss-of-function variants are known to be pathogenic. Please note: this variant was assessed in the context of healthy population screening.

NM_000352.6(ABCC8):c.3111dup (p.Asp1038fs)

Gene: ABCC8 (ATP binding cassette subfamily C member 8; minus strand). Cytogenetic location: 11p15.1.
Variant type: Duplication.
Coding change: c.3111dup on transcript NM_000352.6 (MANE Select); coding-DNA position 3111, one base duplicated (C; older notation c.3111dupC).
Protein change: p.Asp1038fs; shifts the reading frame from aspartic acid 1038.
Molecular consequence: frameshift variant. On other transcripts: non-coding transcript variant (1).
Genome position (GRCh38, 1-based): chr11:17,406,939, G duplicated on the plus strand (C on the coding strand, the reverse complement: ABCC8 is on the minus strand); the first of 2 consecutive G bases (chr11:17,406,939-17,406,940); duplicating either gives the same sequence. VCF-style (leftmost placement, unchanged base first): chr11-17406938-C-CG. GRCh37 (hg19) VCF-style: chr11-17428485-C-CG.
Other names: c.3114dup, p.Asp1039fs (NM_001287174.3); c.3177dup, p.Asp1060fs (NM_001351295.2); c.3111dup, p.Asp1038fs (NM_001351296.2); c.3108dup, p.Asp1037fs (NM_001351297.2); short protein forms D1037fs, D1038fs, D1039fs, D1060fs.
Identifiers: ClinVar variation 5011951 (VCV005011951.1).